The following is an entry in ClinVar:

ClinVar aggregate classification (germline): Uncertain significance (1 of 4 stars; one submission).

Allele frequency attached by ClinVar (database versions not stated): ExAC 0.00005; gnomAD 0.00005; TOPMed 0.00005.
gnomAD v4.1: 7 of 1,551,342 alleles (0.00045%); highest among the groups gnomAD compares: African/African-American, 0.0096%; no homozygotes.

Submission:

GeneDx
Classification: Uncertain significance. Last evaluated: 2023-03-30. Review status: criteria provided, single submitter. Criteria: GeneDx Variant Classification Process June 2021. Collection method: clinical testing. Allele origin: germline. Affected: yes.
Comment: In silico analysis supports that this missense variant does not alter protein structure/function; Has not been previously published as pathogenic or benign to our knowledge

NM_001384474.1(LOXHD1):c.82T>C (p.Ser28Pro)

Gene: LOXHD1 (lipoxygenase homology PLAT domains 1; minus strand). Cytogenetic location: 18q21.1.
Variant type: single nucleotide variant.
Coding change: c.82T>C on transcript NM_001384474.1 (MANE Select); coding-DNA position 82, T replaced by C.
Protein change: p.Ser28Pro; replaces serine 28 with proline.
Molecular consequence: missense variant.
Genome position (GRCh38, 1-based): chr18:46,656,952, A>G on the plus strand (T>C on the coding strand, the complement: LOXHD1 is on the minus strand). VCF-style: chr18-46656952-A-G. GRCh37 (hg19) VCF-style: chr18-44236915-A-G.
Other names: c.82T>C, p.Ser28Pro (NM_144612.7); short protein forms S28P.
Identifiers: ClinVar variation 2581932 (VCV002581932.1), dbSNP rs756954256, ClinGen allele CA8952974.